The following is an entry in ClinVar:

ClinVar aggregate classification (germline): Likely benign (1 of 4 stars; one submission).

gnomAD v4.1: 117 of 1,440,784 alleles (0.0081%); highest among the groups gnomAD compares: Non-Finnish European, 0.0078%; no homozygotes.

Submission:

CeGaT Center for Human Genetics Tuebingen
Classification: Likely benign. Last evaluated: 2025-10-01. Review status: criteria provided, single submitter. Criteria: CeGaT Center For Human Genetics Tuebingen Variant Classification Criteria Version 2. Collection method: clinical testing. Allele origin: germline. Affected: yes. Observed: 2 variant alleles.
Comment: TBX2: BS2

NM_005994.4(TBX2):c.2136G>C (p.Lys712Asn)

Gene: TBX2 (T-box transcription factor 2; plus strand). Cytogenetic location: 17q23.2.
Variant type: single nucleotide variant.
Coding change: c.2136G>C on transcript NM_005994.4 (MANE Select); coding-DNA position 2136, G replaced by C.
Protein change: p.Lys712Asn; replaces lysine 712 with asparagine.
Molecular consequence: missense variant.
Genome position (GRCh38, 1-based): chr17:61,408,503, G>C. VCF-style: chr17-61408503-G-C. GRCh37 (hg19) VCF-style: chr17-59485864-G-C.
Other names: short protein forms K712N.
Identifiers: ClinVar variation 4084049 (VCV004084049.8).